The following is an entry in ClinVar:

NM_000235.4(LIPA):c.657A>G (p.Leu219=)

Gene: LIPA (lipase A, lysosomal acid type; minus strand). Cytogenetic location: 10q23.31.
Variant type: single nucleotide variant.
Coding change: c.657A>G on transcript NM_000235.4 (MANE Select); coding-DNA position 657, A replaced by G.
Protein change: p.Leu219=; no amino-acid change (leucine 219 retained).
Molecular consequence: synonymous variant.
Genome position (GRCh38, 1-based): chr10:89,225,110, T>C on the plus strand (A>G on the coding strand, the complement: LIPA is on the minus strand). VCF-style: chr10-89225110-T-C. GRCh37 (hg19) VCF-style: chr10-90984867-T-C.
Other names: c.657A>G, p.Leu219= (NM_001127605.3); c.309A>G, p.Leu103= (NM_001288979.2); c.657A>G (NM_000235.3).
Identifiers: ClinVar variation 1085168 (VCV001085168.12), dbSNP rs748624841, ClinGen allele CA5593660.
Genomic context (GRCh38, chr10:89,225,110, plus strand): 5'-AAATCTGCGGGGAGAGGAGAGGGATGGGAGGGGTCCAAGTACCTTAATGAGATGATCTGG[T>C]AATCGTCCTAATTTGGCCATAGGGCTAGTACAGAAGGCGACGGAAGCCACAGGACCCAGG-3'
Protein context (NP_000226.2, residues 209-229): CTSPMAKLGR[Leu219=]PDHLIKDLFG

ClinVar aggregate classification (germline): Likely benign. Review status: criteria provided, multiple submitters, no conflicts (2 of 4 stars). 3 submissions from 3 submitters: Likely benign (2). 1 of the submissions does not count toward it. Last evaluated 2026-01-19.

Conditions:
Wolman disease (WOLD). Also called: Infantile-Onset LAL-D (Wolman Disease); Wolman disease, CESD; Acid cholesteryl ester hydrolase deficiency, Wolman type; Acid lipase disease; LYSOSOMAL ACID LIPASE DEFICIENCY, ACUTE INFANTILE; LYSOSOMAL ACID LIPASE DEFICIENCY, COMPLETE. Identifiers: Orphanet 75233, MedGen C0043208, MONDO:0019148, OMIM 620151.
LIPA-related disorder. Also called: LIPA-related condition; LIPA-related disorders.
Cardiovascular phenotype. Identifiers: MedGen CN230736.

Allele frequency attached by ClinVar (database versions not stated): gnomAD 0.00001; TOPMed 0.00001; gnomAD exomes 0.00002 and 0.00004; ExAC 0.00005.
gnomAD v4.1: 34 of 1,613,970 alleles (0.0021%); highest among the groups gnomAD compares: South Asian, 0.033%; no homozygotes.

Submissions (3):

Labcorp Genetics (formerly Invitae), Labcorp
Classification: Likely benign for Wolman disease. Last evaluated: 2026-01-19. Review status: criteria provided, single submitter. Criteria: Invitae Variant Classification Sherloc (09022015). Collection method: clinical testing. Allele origin: germline.

Ambry Genetics
Classification: Likely benign for Cardiovascular phenotype. Last evaluated: 2021-01-07. Review status: criteria provided, single submitter. Criteria: Ambry Variant Classification Scheme 2023. Collection method: clinical testing. Allele origin: germline.

PreventionGenetics, part of Exact Sciences
Classification: Likely benign for LIPA-related condition. Last evaluated: 2024-09-11. Review status: no assertion criteria provided. Collection method: clinical testing. Allele origin: germline. Not counted in ClinVar's aggregate classification.
Comment: This variant is classified as likely benign based on ACMG/AMP sequence variant interpretation guidelines (Richards et al. 2015 PMID: 25741868, with internal and published modifications).